The following is an entry in ClinVar:

NM_181712.5(KANK4):c.1814G>A (p.Ser605Asn)

Gene: KANK4 (KN motif and ankyrin repeat domains 4; minus strand). Cytogenetic location: 1p31.3.
Variant type: single nucleotide variant.
Coding change: c.1814G>A on transcript NM_181712.5 (MANE Select); coding-DNA position 1814, G replaced by A.
Protein change: p.Ser605Asn; replaces serine 605 with asparagine.
Molecular consequence: missense variant. On other transcripts: intron variant (1).
Genome position (GRCh38, 1-based): chr1:62,273,290, C>T on the plus strand (G>A on the coding strand, the complement: KANK4 is on the minus strand). VCF-style: chr1-62273290-C-T. GRCh37 (hg19) VCF-style: chr1-62738962-C-T.
Other names: c.1814G>A (NM_181712.4); c.17-1701G>A (NM_001320269.2); short protein forms S605N.
Identifiers: ClinVar variation 1915439 (VCV001915439.7), dbSNP rs182456963, ClinGen allele CA884311.

ClinVar aggregate classification (germline): Uncertain significance. Review status: criteria provided, multiple submitters, no conflicts (2 of 4 stars). 3 submissions from 3 submitters: Uncertain significance (2). 1 of the submissions does not count toward it. Last evaluated 2025-03-31.

Conditions:
KANK4-related disorder. Also called: KANK4-related condition.

Allele frequency attached by ClinVar (database versions not stated): gnomAD 0.00001; TOPMed 0.00001; ExAC 0.00002; 1000 Genomes Project 30x 0.00016; 1000 Genomes Project 0.00020.
gnomAD v4.1: 33 of 1,590,746 alleles (0.0021%); highest among the groups gnomAD compares: Middle Eastern, 0.017%; no homozygotes.

Submissions (3):

Ambry Genetics
Classification: Uncertain significance. Last evaluated: 2025-03-31. Review status: criteria provided, single submitter. Criteria: Ambry Variant Classification Scheme 2023. Collection method: clinical testing. Allele origin: germline.

Labcorp Genetics (formerly Invitae), Labcorp
Classification: Uncertain significance. Last evaluated: 2025-03-31. Review status: criteria provided, single submitter. Criteria: Invitae Variant Classification Sherloc (09022015). Collection method: clinical testing. Allele origin: germline.
Comment: This sequence change replaces serine, which is neutral and polar, with asparagine, which is neutral and polar, at codon 605 of the KANK4 protein (p.Ser605Asn). This variant is present in population databases (rs182456963, gnomAD 0.003%). This variant has not been reported in the literature in individuals affected with KANK4-related conditions. ClinVar contains an entry for this variant (Variation ID: 1915439). An algorithm developed to predict the effect of missense changes on protein structure and function outputs the following: PolyPhen-2: "Possibly Damaging". The asparagine amino acid residue is found in multiple mammalian species, which suggests that this missense change does not adversely affect protein function. In summary, the available evidence is currently insufficient to determine the role of this variant in disease. Therefore, it has been classified as a Variant of Uncertain Significance.

PreventionGenetics, part of Exact Sciences
Classification: Uncertain significance for KANK4-related condition. Last evaluated: 2024-03-16. Review status: no assertion criteria provided. Collection method: clinical testing. Allele origin: germline. Not counted in ClinVar's aggregate classification.
Comment: The KANK4 c.1814G>A variant is predicted to result in the amino acid substitution p.Ser605Asn. To our knowledge, this variant has not been reported in the literature. This variant is reported in 0.0027% of alleles in individuals of European (Non-Finnish) descent in gnomAD. At this time, the clinical significance of this variant is uncertain due to the absence of conclusive functional and genetic evidence.